The following is an entry in ClinVar:

ClinVar aggregate classification (germline): Uncertain significance (1 of 4 stars; one submission).

Conditions:
Loeys-Dietz syndrome 4 (LDS4). Also called: ANEURYSM, AORTIC AND CEREBRAL, WITH ARTERIAL TORTUOSITY AND SKELETAL MANIFESTATIONS; TGFB2-Related Loeys-Dietz Syndrome. Identifiers: MedGen C3553762, MONDO:0013897, OMIM 614816.

gnomAD v4.1: 8 of 1,614,096 alleles (0.0005%); highest among the groups gnomAD compares: Non-Finnish European, 0.00068%; no homozygotes.

Submission:

Labcorp Genetics (formerly Invitae), Labcorp
Classification: Uncertain significance for Loeys-Dietz syndrome 4. Last evaluated: 2022-03-13. Review status: criteria provided, single submitter. Criteria: Invitae Variant Classification Sherloc (09022015). Collection method: clinical testing. Allele origin: germline.
Comment: In summary, the available evidence is currently insufficient to determine the role of this variant in disease. Therefore, it has been classified as a Variant of Uncertain Significance. This variant is not present in population databases (gnomAD no frequency). This sequence change replaces glutamic acid, which is acidic and polar, with glutamine, which is neutral and polar, at codon 38 of the TGFB2 protein (p.Glu38Gln). This variant has not been reported in the literature in individuals affected with TGFB2-related conditions. Algorithms developed to predict the effect of missense changes on protein structure and function (SIFT, PolyPhen-2, Align-GVGD) all suggest that this variant is likely to be disruptive.

NM_003238.6(TGFB2):c.112G>C (p.Glu38Gln)

Gene: TGFB2 (transforming growth factor beta 2; plus strand). Cytogenetic location: 1q41.
Variant type: single nucleotide variant.
Coding change: c.112G>C on transcript NM_003238.6 (MANE Select); coding-DNA position 112, G replaced by C.
Protein change: p.Glu38Gln; replaces glutamic acid 38 with glutamine.
Molecular consequence: missense variant. On other transcripts: non-coding transcript variant (2).
Genome position (GRCh38, 1-based): chr1:218,346,813, G>C. VCF-style: chr1-218346813-G-C. GRCh37 (hg19) VCF-style: chr1-218520155-G-C.
Other names: c.112G>C, p.Glu38Gln (NM_001135599.4); short protein forms E38Q.
Identifiers: ClinVar variation 1976865 (VCV001976865.5), dbSNP rs1656697535, ClinGen allele CA344725312.